The following is an entry in ClinVar:

ClinVar aggregate classification (germline): Uncertain significance (1 of 4 stars; one submission).

Conditions:
Carnitine palmitoyltransferase II deficiency. Also called: Carnitine Palmitoyltransferase 2 Deficiency. Identifiers: Orphanet 157, MedGen C0342790, MONDO:0015515.

Allele frequency attached by ClinVar (database versions not stated): gnomAD exomes below 0.00001; TOPMed 0.00001; gnomAD 0.00002.

Submission:

Labcorp Genetics (formerly Invitae), Labcorp
Classification: Uncertain significance for Carnitine palmitoyltransferase II deficiency. Last evaluated: 2022-05-12. Review status: criteria provided, single submitter. Criteria: Invitae Variant Classification Sherloc (09022015). Collection method: clinical testing. Allele origin: germline.
Comment: This sequence change replaces proline, which is neutral and non-polar, with threonine, which is neutral and polar, at codon 180 of the CPT2 protein (p.Pro180Thr). This variant is not present in population databases (gnomAD no frequency). This variant has not been reported in the literature in individuals affected with CPT2-related conditions. Advanced modeling of protein sequence and biophysical properties (such as structural, functional, and spatial information, amino acid conservation, physicochemical variation, residue mobility, and thermodynamic stability) performed at Invitae indicates that this missense variant is not expected to disrupt CPT2 protein function. In summary, the available evidence is currently insufficient to determine the role of this variant in disease. Therefore, it has been classified as a Variant of Uncertain Significance.

NM_000098.3(CPT2):c.538C>A (p.Pro180Thr)

Gene: CPT2 (carnitine palmitoyltransferase 2; plus strand). Cytogenetic location: 1p32.3.
Variant type: single nucleotide variant.
Coding change: c.538C>A on transcript NM_000098.3 (MANE Select); coding-DNA position 538, C replaced by A.
Protein change: p.Pro180Thr; replaces proline 180 with threonine.
Molecular consequence: missense variant.
Genome position (GRCh38, 1-based): chr1:53,210,212, C>A. VCF-style: chr1-53210212-C-A. GRCh37 (hg19) VCF-style: chr1-53675884-C-A.
Other names: c.538C>A, p.Pro180Thr (NM_001330589.2); short protein forms P180T.
Identifiers: ClinVar variation 2428241 (VCV002428241.2), dbSNP rs1645412970, ClinGen allele CA340392554.